The following is an entry in ClinVar:

ClinVar aggregate classification (germline): Likely benign (1 of 4 stars; one submission).

Submission:

CeGaT Center for Human Genetics Tuebingen
Classification: Likely benign. Last evaluated: 2023-03-01. Review status: criteria provided, single submitter. Criteria: CeGaT Center For Human Genetics Tuebingen Variant Classification Criteria Version 2. Collection method: clinical testing. Allele origin: germline. Affected: yes. Observed: 1 variant allele.
Comment: SIN3A: PM2:Supporting, BP4, BP7

NM_001145358.2(SIN3A):c.66C>G (p.Gly22=)

Gene: SIN3A (SIN3 transcription regulator family member A; minus strand). Cytogenetic location: 15q24.2.
Variant type: single nucleotide variant.
Coding change: c.66C>G on transcript NM_001145358.2 (MANE Select); coding-DNA position 66, C replaced by G.
Protein change: p.Gly22=; no amino-acid change (glycine 22 retained).
Molecular consequence: synonymous variant.
Genome position (GRCh38, 1-based): chr15:75,430,310, G>C on the plus strand (C>G on the coding strand, the complement: SIN3A is on the minus strand). VCF-style: chr15-75430310-G-C. GRCh37 (hg19) VCF-style: chr15-75722651-G-C.
Other names: c.66C>G, p.Gly22= (NM_001145357.2, NM_015477.3).
Identifiers: ClinVar variation 2645565 (VCV002645565.24), dbSNP rs2542788826, ClinGen allele CA491261173.